The following is an entry in ClinVar:

ClinVar aggregate classification (germline): Benign/Likely benign. Review status: criteria provided, multiple submitters, no conflicts (2 of 4 stars). 5 submissions from 5 submitters: Benign (1); Likely benign (4). Last evaluated 2026-01-19.

Conditions:
Combined oxidative phosphorylation defect type 21. Also called: Combined oxidative phosphorylation deficiency 21. Identifiers: Orphanet 420733, MedGen C4706316, MONDO:0014398, OMIM 615918.

Allele frequency attached by ClinVar (database versions not stated): ESP Exome Variant Server 0.00108; 1000 Genomes Project 30x 0.00109; 1000 Genomes Project 0.00120.
gnomAD v4.1: 2,110 of 1,612,738 alleles (0.13%); highest among the groups gnomAD compares: Middle Eastern, 1.8%; 9 homozygotes.

Submissions (5):

Labcorp Genetics (formerly Invitae), Labcorp
Classification: Benign. Last evaluated: 2026-01-19. Review status: criteria provided, single submitter. Criteria: Invitae Variant Classification Sherloc (09022015). Collection method: clinical testing. Allele origin: germline.

Blueprint Genetics
Classification: Likely benign. Last evaluated: 2024-11-25. Review status: criteria provided, single submitter. Criteria: ACMG Guidelines, 2015. Collection method: clinical testing. Allele origin: germline.

Fulgent Genetics
Classification: Likely benign for Combined oxidative phosphorylation defect type 21. Last evaluated: 2021-09-27. Review status: criteria provided, single submitter. Criteria: ACMG Guidelines, 2015. Collection method: clinical testing. Allele origin: unknown.

GeneDx
Classification: Likely benign. Last evaluated: 2017-11-17. Review status: criteria provided, single submitter. Criteria: GeneDx Variant Classification (06012015). Collection method: clinical testing. Allele origin: germline. Affected: yes.
Comment: This variant is considered likely benign or benign based on one or more of the following criteria: it is a conservative change, it occurs at a poorly conserved position in the protein, it is predicted to be benign by multiple in silico algorithms, and/or has population frequency not consistent with disease.

Breakthrough Genomics
Classification: Likely benign. Review status: criteria provided, single submitter. Criteria: ACMG Guidelines, 2015. Collection method: not provided. Allele origin: germline. Inheritance: Autosomal recessive inheritance. Affected: yes.

NM_025150.5(TARS2):c.1719-17C>A

Gene: TARS2 (threonyl-tRNA synthetase 2, mitochondrial; plus strand). Cytogenetic location: 1q21.2.
Variant type: single nucleotide variant.
Coding change: c.1719-17C>A on transcript NM_025150.5 (MANE Select); 17 bases into the intron before coding-DNA position 1719, C replaced by A.
Molecular consequence: intron variant.
Genome position (GRCh38, 1-based): chr1:150,504,615, C>A. VCF-style: chr1-150504615-C-A. GRCh37 (hg19) VCF-style: chr1-150477091-C-A.
Other names: c.1473-17C>A (NM_001271895.2); c.1329-17C>A (NM_001271896.2).
Identifiers: ClinVar variation 381421 (VCV000381421.12), dbSNP rs201218331, ClinGen allele CA1077122.